The following is an entry in ClinVar:

ClinVar aggregate classification (germline): Uncertain significance (1 of 4 stars; one submission).

Conditions:
Long QT syndrome (LQTS). Identifiers: MedGen C0023976, MeSH D008133, MONDO:0002442. Disease mechanism: loss of function. Inheritance: Various modes of inheritance.

gnomAD v4.1: 7 of 1,613,800 alleles (0.00043%); highest among the groups gnomAD compares: South Asian, 0.0055%; no homozygotes.

Submission:

Labcorp Genetics (formerly Invitae), Labcorp
Classification: Uncertain significance for Long QT syndrome. Last evaluated: 2024-07-20. Review status: criteria provided, single submitter. Criteria: Invitae Variant Classification Sherloc (09022015). Collection method: clinical testing. Allele origin: germline.
Comment: This sequence change replaces aspartic acid, which is acidic and polar, with asparagine, which is neutral and polar, at codon 3011 of the AKAP9 protein (p.Asp3011Asn). This variant is present in population databases (no rsID available, gnomAD 0.003%). This variant has not been reported in the literature in individuals affected with AKAP9-related conditions. An algorithm developed to predict the effect of missense changes on protein structure and function outputs the following: PolyPhen-2: "Benign". The asparagine amino acid residue is found in multiple mammalian species, which suggests that this missense change does not adversely affect protein function. In summary, the available evidence is currently insufficient to determine the role of this variant in disease. Therefore, it has been classified as a Variant of Uncertain Significance.

NM_005751.5(AKAP9):c.9031G>A (p.Asp3011Asn)

Gene: AKAP9 (A-kinase anchoring protein 9; plus strand). Cytogenetic location: 7q21.2.
Variant type: single nucleotide variant.
Coding change: c.9031G>A on transcript NM_005751.5 (MANE Select); coding-DNA position 9031, G replaced by A.
Protein change: p.Asp3011Asn; replaces aspartic acid 3011 with asparagine.
Molecular consequence: missense variant.
Genome position (GRCh38, 1-based): chr7:92,086,234, G>A. VCF-style: chr7-92086234-G-A. GRCh37 (hg19) VCF-style: chr7-91715548-G-A.
Other names: c.3676G>A, p.Asp1226Asn (NM_001379277.1); c.9007G>A, p.Asp3003Asn (NM_147185.3); short protein forms D1226N, D3003N, D3011N.
Identifiers: ClinVar variation 3625662 (VCV003625662.2).